The following is an entry in ClinVar:

NM_052813.5(CARD9):c.550G>A (p.Asp184Asn)

Gene: CARD9 (caspase recruitment domain family member 9; minus strand). Cytogenetic location: 9q34.3.
Variant type: single nucleotide variant.
Coding change: c.550G>A on transcript NM_052813.5 (MANE Select); coding-DNA position 550, G replaced by A.
Protein change: p.Asp184Asn; replaces aspartic acid 184 with asparagine.
Molecular consequence: missense variant.
Genome position (GRCh38, 1-based): chr9:136,370,918, C>T on the plus strand (G>A on the coding strand, the complement: CARD9 is on the minus strand). VCF-style: chr9-136370918-C-T. GRCh37 (hg19) VCF-style: chr9-139265370-C-T.
Other names: c.550G>A, p.Asp184Asn (NM_052814.4); short protein forms D184N.
Identifiers: ClinVar variation 578727 (VCV000578727.12), dbSNP rs374298700, ClinGen allele CA5333099.

ClinVar aggregate classification (germline): Uncertain significance. Review status: criteria provided, multiple submitters, no conflicts (2 of 4 stars). 3 submissions from 3 submitters: Uncertain significance (3). Last evaluated 2025-01-30.

Conditions:
Predisposition to invasive fungal disease due to CARD9 deficiency (IMD103). Also called: IMMUNODEFICIENCY 103, SUSCEPTIBILITY TO FUNGAL INFECTIONS; Candidiasis, familial, 2, autosomal recessive; CARD9 IMMUNODEFICIENCY. Identifiers: Orphanet 457088, MedGen C1859353, MONDO:0008905, OMIM 212050.

Allele frequency attached by ClinVar (database versions not stated): gnomAD exomes 0.00007 and 0.00009; gnomAD 0.00013; TOPMed 0.00013; ExAC 0.00015; ESP Exome Variant Server 0.00015.
gnomAD v4.1: 122 of 1,612,096 alleles (0.0076%); highest among the groups gnomAD compares: Middle Eastern, 0.017%; no homozygotes.

Submissions (3):

Labcorp Genetics (formerly Invitae), Labcorp
Classification: Uncertain significance for Predisposition to invasive fungal disease due to CARD9 deficiency. Last evaluated: 2025-01-30. Review status: criteria provided, single submitter. Criteria: Invitae Variant Classification Sherloc (09022015). Collection method: clinical testing. Allele origin: germline.
Comment: This sequence change replaces aspartic acid, which is acidic and polar, with asparagine, which is neutral and polar, at codon 184 of the CARD9 protein (p.Asp184Asn). This variant is present in population databases (rs374298700, gnomAD 0.02%). This missense change has been observed in individual(s) with CARD9-related conditions (PMID: 35753512). ClinVar contains an entry for this variant (Variation ID: 578727). Invitae Evidence Modeling of protein sequence and biophysical properties (such as structural, functional, and spatial information, amino acid conservation, physicochemical variation, residue mobility, and thermodynamic stability) indicates that this missense variant is not expected to disrupt CARD9 protein function with a negative predictive value of 80%. In summary, the available evidence is currently insufficient to determine the role of this variant in disease. Therefore, it has been classified as a Variant of Uncertain Significance.

Illumina Laboratory Services, Illumina
Classification: Uncertain significance for Predisposition to invasive fungal disease due to CARD9 deficiency. Last evaluated: 2018-01-13. Review status: criteria provided, single submitter. Criteria: ICSL Variant Classification Criteria 13 December 2019. Collection method: clinical testing. Allele origin: germline.

Breakthrough Genomics
Classification: Uncertain significance. Review status: criteria provided, single submitter. Criteria: ACMG Guidelines, 2015. Collection method: not provided. Allele origin: germline. Inheritance: Autosomal recessive inheritance. Affected: yes.

Literature cited by the submitters: PubMed 35753512 (cited by Labcorp Genetics (formerly Invitae), Labcorp).